The following is an entry in ClinVar:

ClinVar aggregate classification (germline): Uncertain significance (1 of 4 stars; one submission).

gnomAD v4.1: 36 of 1,613,092 alleles (0.0022%); highest among the groups gnomAD compares: East Asian, 0.076%; no homozygotes.

Submission:

Labcorp Genetics (formerly Invitae), Labcorp
Classification: Uncertain significance. Last evaluated: 2024-03-13. Review status: criteria provided, single submitter. Criteria: Invitae Variant Classification Sherloc (09022015). Collection method: clinical testing. Allele origin: germline.
Comment: This sequence change replaces valine, which is neutral and non-polar, with leucine, which is neutral and non-polar, at codon 782 of the FOCAD protein (p.Val782Leu). This variant is present in population databases (rs781047724, gnomAD 0.04%). This variant has not been reported in the literature in individuals affected with FOCAD-related conditions. In summary, the available evidence is currently insufficient to determine the role of this variant in disease. Therefore, it has been classified as a Variant of Uncertain Significance.

NM_001375567.1(FOCAD):c.2344G>T (p.Val782Leu)

Gene: FOCAD (focadhesin; plus strand). Cytogenetic location: 9p21.3.
Variant type: single nucleotide variant.
Coding change: c.2344G>T on transcript NM_001375567.1 (MANE Select); coding-DNA position 2344, G replaced by T.
Protein change: p.Val782Leu; replaces valine 782 with leucine.
Molecular consequence: missense variant.
Genome position (GRCh38, 1-based): chr9:20,881,897, G>T. VCF-style: chr9-20881897-G-T. GRCh37 (hg19) VCF-style: chr9-20881896-G-T.
Other names: c.2239G>T, p.Val747Leu (NM_001375568.1, NM_001375570.1); c.2344G>T, p.Val782Leu (NM_017794.5); short protein forms V747L, V782L.
Identifiers: ClinVar variation 3681570 (VCV003681570.2).